The following is an entry in ClinVar:

NM_000552.5(VWF):c.4580G>A (p.Arg1527Gln)

Gene: VWF (von Willebrand factor; minus strand). Cytogenetic location: 12p13.31.
Variant type: single nucleotide variant.
Coding change: c.4580G>A on transcript NM_000552.5 (MANE Select); coding-DNA position 4580, G replaced by A.
Protein change: p.Arg1527Gln; replaces arginine 1527 with glutamine.
Molecular consequence: missense variant.
Genome position (GRCh38, 1-based): chr12:6,018,838, C>T on the plus strand (G>A on the coding strand, the complement: VWF is on the minus strand). VCF-style: chr12-6018838-C-T. GRCh37 (hg19) VCF-style: chr12-6128004-C-T.
Other names: short protein forms R1527Q.
Identifiers: ClinVar variation 827789 (VCV000827789.4), dbSNP rs780538558, ClinGen allele CA6402505.
Genomic context (GRCh38, chr12:6,018,838, plus strand): 5'-GTCACCATGTAGGAGTACTGCAGCACCGTGACGTGGATGCTGTCCTGGCCCACATCCATC[C>T]GCTGAATCACCTCCTCCATGAACTCCTTGCTCCTGTTGAAGTCGGCTTCACCAATTTTGT-3'
Protein context (NP_000543.3, residues 1517-1537): SKEFMEEVIQ[Arg1527Gln]MDVGQDSIHV

ClinVar aggregate classification (germline): Conflicting classifications of pathogenicity. Review status: criteria provided, conflicting classifications (1 of 4 stars). 3 submissions from 3 submitters: Likely pathogenic (1); Uncertain significance (2). Last evaluated 2026-05-26.

Conditions:
von Willebrand disease type 1 (VWD1). Also called: VON WILLEBRAND DISEASE, TYPE I; VWD, TYPE 1. Identifiers: Orphanet 166078, Orphanet 903, MedGen C1264039, MONDO:0008668, OMIM 193400. Inheritance: autosomal recessive or autosomal dominant.

Allele frequency attached by ClinVar (database versions not stated): gnomAD 0.00004 and 0.00006; ExAC 0.00007; gnomAD exomes 0.00003 and 0.00008; TOPMed 0.00005.
gnomAD v4.1: 46 of 1,613,796 alleles (0.0029%); highest among the groups gnomAD compares: South Asian, 0.014%; no homozygotes.

Submissions (3):

Women's Health and Genetics/Laboratory Corporation of America, LabCorp
Classification: Uncertain significance. Last evaluated: 2026-05-26. Review status: criteria provided, single submitter. Criteria: LabCorp Variant Classification Summary - May 2015. Collection method: clinical testing. Allele origin: germline.
Comment: Variant summary: VWF c.4580G>A (p.Arg1527Gln) results in a conservative amino acid change in the encoded protein sequence. Algorithms developed to predict the effect of missense changes on protein structure and function all suggest that this variant is likely to be tolerated. The variant allele was found at a frequency of 8.4e-05 in 250650 control chromosomes (gnomAD). This frequency is not significantly higher than estimated for disease-causing variants in VWF, allowing no conclusion about variant significance. c.4580G>A has been observed in individuals affected with Von Willebrand Disease (e.g. Ahmad_2013, Borras_2017). These reports do not provide unequivocal conclusions about association of the variant with disease. To our knowledge, no experimental evidence demonstrating an impact on protein function has been reported. The following publications have been ascertained in the context of this evaluation (PMID: 23179108, 28971901). ClinVar contains an entry for this variant (Variation ID: 827789). Based on the evidence outlined above, the variant was classified as uncertain significance.

Genomic Medicine Center of Excellence, King Faisal Specialist Hospital and Research Centre
Classification: Uncertain significance for von Willebrand disease type 1. Last evaluated: 2024-03-29. Review status: criteria provided, single submitter. Criteria: ACMG Guidelines, 2015. Collection method: clinical testing. Allele origin: germline.

Equipe Genetique des Anomalies du Developpement, Université de Bourgogne
Classification: Likely pathogenic for von Willebrand disease type 1. Last evaluated: 2019-05-07. Review status: criteria provided, single submitter. Criteria: ACMG Guidelines, 2015. Collection method: clinical testing. Allele origin: paternal. Affected: yes.

Literature cited by the submitters: PubMed 28971901 (cited by Women's Health and Genetics/Laboratory Corporation of America, LabCorp); PubMed 23179108 (cited by Women's Health and Genetics/Laboratory Corporation of America, LabCorp).